The following is an entry in ClinVar:

NM_000463.3(UGT1A1):c.1001T>C (p.Leu334Pro)

Genes: UGT1A10 (UDP glucuronosyltransferase family 1 member A10; plus strand), UGT1A3 (UDP glucuronosyltransferase family 1 member A3; plus strand), UGT1A4 (UDP glucuronosyltransferase family 1 member A4; plus strand), UGT1A5 (UDP glucuronosyltransferase family 1 member A5; plus strand), UGT1A6 (UDP glucuronosyltransferase family 1 member A6; plus strand) and 5 more. Cytogenetic location: 2q37.1.
Variant type: single nucleotide variant.
Coding change: c.1001T>C on transcript NM_000463.3 (MANE Select); coding-DNA position 1001, T replaced by C.
Protein change: p.Leu334Pro; replaces leucine 334 with proline.
Molecular consequence: missense variant.
Genome position (GRCh38, 1-based): chr2:233,767,853, T>C. VCF-style: chr2-233767853-T-C. GRCh37 (hg19) VCF-style: chr2-234676499-T-C.
Other names: c.992T>C, p.Leu331Pro (NM_019075.4, NM_019076.5, NM_019077.3 and 1 more transcripts); c.998T>C, p.Leu333Pro (NM_001072.4); c.197T>C, p.Leu66Pro (NM_205862.3); c.1004T>C, p.Leu335Pro (NM_019078.2, NM_007120.3, NM_019093.4); short protein forms L331P, L333P, L334P, L335P, L66P.
Identifiers: ClinVar variation 3769500 (VCV003769500.2).

ClinVar aggregate classification (germline): Uncertain significance (1 of 4 stars; one submission).

gnomAD v4.1: 2 of 1,614,210 alleles (0.00012%); highest among the groups gnomAD compares: South Asian, 0.0011%; no homozygotes.

Submission:

Women's Health and Genetics/Laboratory Corporation of America, LabCorp
Classification: Uncertain significance. Last evaluated: 2025-01-21. Review status: criteria provided, single submitter. Criteria: LabCorp Variant Classification Summary - May 2015. Collection method: clinical testing. Allele origin: germline.
Comment: Variant summary: UGT1A1 c.1001T>C (p.Leu334Pro) results in a non-conservative amino acid change located in the UDP-glycosyltransferases and similar proteins domain (IPR002213) of the encoded protein sequence. Five of five in-silico tools predict a damaging effect of the variant on protein function. The variant was absent in 249054 control chromosomes. The available data on variant occurrences in the general population are insufficient to allow any conclusion about variant significance. c.1001T>C has been reported in the literature in one individual affected with Crigler-Najjar syndrome (Perez-Solis_2020). These report(s) do not provide unequivocal conclusions about association of the variant with Crigler-Najjar syndrome. To our knowledge, no experimental evidence demonstrating an impact on protein function has been reported. The following publication has been ascertained in the context of this evaluation (PMID: 34849280). No submitters have cited clinical-significance assessments for this variant to ClinVar. Based on the evidence outlined above, the variant was classified as uncertain significance.

Literature cited by the submitters: PubMed 34849280.